The following is an entry in ClinVar:

NM_004415.4(DSP):c.5380-4C>G

Gene: DSP (desmoplakin; plus strand). Cytogenetic location: 6p24.3.
Variant type: single nucleotide variant.
Coding change: c.5380-4C>G on transcript NM_004415.4 (MANE Select); 4 bases into the intron before coding-DNA position 5380, C replaced by G.
Molecular consequence: intron variant.
Genome position (GRCh38, 1-based): chr6:7,582,638, C>G. VCF-style: chr6-7582638-C-G. GRCh37 (hg19) VCF-style: chr6-7582871-C-G.
Other names: c.4051-4C>G (NM_001319034.2); c.3583-4C>G (NM_001008844.3).
Identifiers: ClinVar variation 1331749 (VCV001331749.5), dbSNP rs756405593, ClinGen allele CA044866.

ClinVar aggregate classification (germline): Uncertain significance. Review status: criteria provided, multiple submitters, no conflicts (2 of 4 stars). 2 submissions from 2 submitters: Uncertain significance (2). Last evaluated 2023-09-17.

Conditions:
Cardiomyopathy (CMYO). Also called: Cardiomyopathies. Identifiers: Orphanet 167848, MedGen C0878544, MONDO:0004994, HP:0001638. Inheritance: Various modes of inheritance.
Arrhythmogenic cardiomyopathy with wooly hair and keratoderma. Also called: Carvajal syndrome; Dilated cardiomyopathy with woolly hair and keratoderma; Arrhythmogenic cardiomyopathy with woolly hair and keratoderma; PALMOPLANTAR KERATODERMA WITH LEFT VENTRICULAR CARDIOMYOPATHY AND WOOLLY HAIR. Identifiers: Orphanet 65282, MedGen C1854063, MONDO:0011581, OMIM 605676.

Allele frequency attached by ClinVar (database versions not stated): gnomAD exomes below 0.00001; ExAC 0.00001.

Submissions (2):

All of Us Research Program, National Institutes of Health
Classification: Uncertain significance for Arrhythmogenic cardiomyopathy with wooly hair and keratoderma. Last evaluated: 2023-09-17. Review status: criteria provided, single submitter. Criteria: ACMG Guidelines, 2015. Collection method: clinical testing. Allele origin: germline. Inheritance: Autosomal dominant inheritance. Observed: 1 variant allele, 1 heterozygote.
Comment: This variant causes a C to G nucleotide substitution at the -4 position of intron 23 of the DSP gene. To our knowledge, functional studies have not been reported for this variant. This variant has not been reported in individuals affected with cardiovascular disorders in the literature. This variant has been identified in 1/251062 chromosomes in the general population by the Genome Aggregation Database (gnomAD). The available evidence is insufficient to determine the role of this variant in disease conclusively. Therefore, this variant is classified as a Variant of Uncertain Significance.

This study involves interpretation of variants in research participants for the purpose of population health screening. Participant phenotype was not available at the time of variant classification. Additional details can be found in publication PMID: 35346344, PMCID: PMC8962531

Color Diagnostics, LLC DBA Color Health
Classification: Uncertain significance for Cardiomyopathy. Last evaluated: 2023-09-06. Review status: criteria provided, single submitter. Criteria: ACMG Guidelines, 2015. Collection method: clinical testing. Allele origin: germline.
Comment: This variant causes a C to G nucleotide substitution at the -4 position of intron 23 of the DSP gene. To our knowledge, functional studies have not been reported for this variant. This variant has not been reported in individuals affected with cardiovascular disorders in the literature. This variant has been identified in 1/251062 chromosomes in the general population by the Genome Aggregation Database (gnomAD). The available evidence is insufficient to determine the role of this variant in disease conclusively. Therefore, this variant is classified as a Variant of Uncertain Significance.